The following is an entry in ClinVar:

NM_001165963.4(SCN1A):c.5708_5711dup (p.Pro1905fs)

Genes: SCN1A (sodium voltage-gated channel alpha subunit 1; minus strand), LOC102724058 (uncharacterized LOC102724058; plus strand). Cytogenetic location: 2q24.3.
Variant type: Duplication.
Coding change: c.5708_5711dup on transcript NM_001165963.4 (MANE Select); coding-DNA positions 5708 to 5711, 4 bases duplicated (ATCA; older notation c.5708_5711dupATCA).
Protein change: p.Pro1905fs; shifts the reading frame from proline 1905.
Molecular consequence: frameshift variant. On other transcripts: non-coding transcript variant (1).
Genome position (GRCh38, 1-based): chr2:165,991,564-165,991,567, TGAT duplicated on the plus strand (ATCA on the coding strand, the reverse complement: SCN1A is on the minus strand). VCF-style (leftmost placement, unchanged base first): chr2-165991563-C-CTGAT. GRCh37 (hg19) VCF-style: chr2-166848073-C-CTGAT.
Other names: c.5624_5627dup, p.Pro1877fs (NM_001165964.3, NM_001353957.2, NM_001353958.2); c.5708_5711dup, p.Pro1905fs (NM_001202435.3, NM_001353948.2); c.5675_5678dup, p.Pro1894fs (NM_001353949.2, NM_001353950.2, NM_001353951.2 and 2 more transcripts); c.5672_5675dup, p.Pro1893fs (NM_001353954.2, NM_001353955.2); c.5621_5624dup, p.Pro1876fs (NM_001353960.2); c.3266_3269dup, p.Pro1091fs (NM_001353961.2); short protein forms P1894fs, P1905fs, P1876fs, P1893fs, P1877fs, P1091fs.
Identifiers: ClinVar variation 206924 (VCV000206924.9), dbSNP rs796053086, ClinGen allele CA317742.

ClinVar aggregate classification (germline): Pathogenic. Review status: criteria provided, multiple submitters, no conflicts (2 of 4 stars). 2 submissions from 2 submitters: Pathogenic (2). Last evaluated 2024-10-23.

Conditions:
Early-infantile DEE. Also called: Ohtahara syndrome; Early infantile epileptic encephalopathy; Early infantile epileptic encephalopathy with suppression bursts. Identifiers: Orphanet 1934, MedGen C0393706, MONDO:0800491.

Submissions (2):

Labcorp Genetics (formerly Invitae), Labcorp
Classification: Pathogenic for Early-infantile DEE. Last evaluated: 2024-10-23. Review status: criteria provided, single submitter. Criteria: Invitae Variant Classification Sherloc (09022015). Collection method: clinical testing. Allele origin: germline.
Comment: This sequence change creates a premature translational stop signal (p.Pro1905Serfs*41) in the SCN1A gene. While this is not anticipated to result in nonsense mediated decay, it is expected to disrupt the last 105 amino acid(s) of the SCN1A protein. This variant is not present in population databases (gnomAD no frequency). This premature translational stop signal has been observed in individual(s) with severe myoclonic epilepsy in infancy (PMID: 11940708). This variant is also known as c.5679_5682insATCA (Gln1893fsX1934). ClinVar contains an entry for this variant (Variation ID: 206924). This variant disrupts a region of the SCN1A protein in which other variant(s) (p.Arg1912*) have been determined to be pathogenic (PMID: 14738421, 20522430, 23195492). This suggests that this is a clinically significant region of the protein, and that variants that disrupt it are likely to be disease-causing. For these reasons, this variant has been classified as Pathogenic.

GeneDx
Classification: Pathogenic. Last evaluated: 2014-02-11. Review status: criteria provided, single submitter. Criteria: GeneDx Variant Classification (06012015). Collection method: clinical testing. Allele origin: germline. Affected: yes.
Comment: c.5708_5711dupATCA: p.Pro1905SerfsX41 (P1905SfsX41) in exon 26 of the SCN1A gene (NM_001165963.1). The normal sequence with the bases that are duplicated in braces is: TCCT{ATCA}GCCA. The c.5708_5711dupATCA mutation in the SCN1A gene has been reported previously in association with Dravet syndrome as c.5679-5682insATCA using alternative nomenclature (Sugawara et al., 2002). The duplication causes a frameshift starting with codon Proline 1905, changes this amino acid to a Serine residue and creates a premature Stop codon at position 41 of the new reading frame, denoted p.Pro1905SerfsX41. This mutation is predicted to cause loss of normal protein function as the last 105 amino acids are replaced by 40 aberrant residues. The presence of c.5708_5711dupATCA is consistent with a diagnosis of an SCN1A-related disorder. The variant is found in INFANT-EPI panel(s).

Literature cited by the submitters: PubMed 11940708 (cited by Labcorp Genetics (formerly Invitae), Labcorp); PubMed 14738421 (cited by Labcorp Genetics (formerly Invitae), Labcorp); PubMed 20522430 (cited by Labcorp Genetics (formerly Invitae), Labcorp); PubMed 23195492 (cited by Labcorp Genetics (formerly Invitae), Labcorp).